The following is an entry in ClinVar:

ClinVar aggregate classification (germline): Pathogenic (1 of 4 stars; one submission).

Conditions:
Hypogonadotropic hypogonadism 3 with or without anosmia (HH3). Also called: HYPOGONADOTROPIC HYPOGONADISM 3 WITH ANOSMIA; PROKR2-Related GnRH Deficiency (Kallmann Syndrome 3). Identifiers: Orphanet 478, MedGen C3550478, MONDO:0009482, OMIM 244200.

Submission:

Women's Health and Genetics/Laboratory Corporation of America, LabCorp
Classification: Pathogenic for Hypogonadotropic hypogonadism 3 with or without anosmia. Last evaluated: 2025-09-23. Review status: criteria provided, single submitter. Criteria: LabCorp Variant Classification Summary - May 2015. Collection method: clinical testing. Allele origin: germline.
Comment: Variant summary: The variant involves the deletion of exon 3 in the PROKR2 gene. A presumed nomenclature of c.(458+1_459-1)_(*2823_?)del has been designated for the purposes of this classification. The exact breakpoint at the distal 3' end of this variant is unknown, therefore this deletion may extend downstream of the annotated region of the gene. As it encompasses the termination codon, it is predicted to escape nonsense mediated decay (NMD). Loss-of-function variants in this gene are known to be pathogenic. The variant was absent in 21694 control chromosomes (GnomAD SV database). To our knowledge, no occurrence of c.(458+1_459-1)_(*2823_?)del in individuals affected with PROKR2-related conditions and no experimental evidence demonstrating its impact on protein function have been reported. However, missense variants in the deleted region have been classified pathogenic/likely pathogenic in ClinVar and at our lab (example, p.Pro290Ser), this suggests a functional importance for the deleted protein region (CV IDs 1324963, 897086 and PMID: 29161432). No submitters have cited clinical-significance assessments for this variant to ClinVar. Based on the evidence outlined above, the variant was classified as pathogenic.

NC_000020.10:g.(?_5279863)_(5283383_5294557)del

Gene: PROKR2 (prokineticin receptor 2; minus strand). Cytogenetic location: 20p12.3.
Variant type: Deletion.
Identifiers: ClinVar variation 2637789 (VCV002637789.2).